The following is an entry in ClinVar:

NM_001134831.2(AHI1):c.463C>G (p.Gln155Glu)

Gene: AHI1 (Abelson helper integration site 1; minus strand). Cytogenetic location: 6q23.3.
Variant type: single nucleotide variant.
Coding change: c.463C>G on transcript NM_001134831.2 (MANE Select); coding-DNA position 463, C replaced by G.
Protein change: p.Gln155Glu; replaces glutamine 155 with glutamic acid.
Molecular consequence: missense variant.
Genome position (GRCh38, 1-based): chr6:135,466,100, G>C on the plus strand (C>G on the coding strand, the complement: AHI1 is on the minus strand). VCF-style: chr6-135466100-G-C. GRCh37 (hg19) VCF-style: chr6-135787238-G-C.
Other names: c.463C>G, p.Gln155Glu (NM_001134830.2, NM_001134832.2, NM_001350503.2 and 2 more transcripts); short protein forms Q155E.
Identifiers: ClinVar variation 1035390 (VCV001035390.9), dbSNP rs1790707920, ClinGen allele CA365751617.

ClinVar aggregate classification (germline): Uncertain significance (1 of 4 stars; one submission).

Conditions:
Joubert syndrome. Also called: Familial aplasia of the vermis; CEREBELLOPARENCHYMAL DISORDER IV; JOUBERT-BOLTSHAUSER SYNDROME. Identifiers: Orphanet 475, MedGen C5979921, MONDO:0018772.

Submission:

Labcorp Genetics (formerly Invitae), Labcorp
Classification: Uncertain significance for Joubert syndrome. Last evaluated: 2020-03-14. Review status: criteria provided, single submitter. Criteria: Invitae Variant Classification Sherloc (09022015). Collection method: clinical testing. Allele origin: germline.
Comment: This sequence change replaces glutamine with glutamic acid at codon 155 of the AHI1 protein (p.Gln155Glu). The glutamine residue is weakly conserved and there is a small physicochemical difference between glutamine and glutamic acid. This variant is not present in population databases (ExAC no frequency). This variant has not been reported in the literature in individuals with AHI1-related conditions. Algorithms developed to predict the effect of missense changes on protein structure and function output the following: SIFT: "Tolerated"; PolyPhen-2: "Benign"; Align-GVGD: "Class C0". The glutamic acid amino acid residue is found in multiple mammalian species, suggesting that this missense change does not adversely affect protein function. These predictions have not been confirmed by published functional studies and their clinical significance is uncertain. In summary, the available evidence is currently insufficient to determine the role of this variant in disease. Therefore, it has been classified as a Variant of Uncertain Significance.